The following is an entry in ClinVar:

NM_019892.6(INPP5E):c.304G>A (p.Asp102Asn)

Gene: INPP5E (inositol polyphosphate-5-phosphatase E; minus strand). Cytogenetic location: 9q34.3.
Variant type: single nucleotide variant.
Coding change: c.304G>A on transcript NM_019892.6 (MANE Select); coding-DNA position 304, G replaced by A.
Protein change: p.Asp102Asn; replaces aspartic acid 102 with asparagine.
Molecular consequence: missense variant.
Genome position (GRCh38, 1-based): chr9:136,439,116, C>T on the plus strand (G>A on the coding strand, the complement: INPP5E is on the minus strand). VCF-style: chr9-136439116-C-T. GRCh37 (hg19) VCF-style: chr9-139333568-C-T.
Other names: c.304G>A, p.Asp102Asn (NM_001318502.2); c.304G>A (NM_019892.5); short protein forms D102N.
Identifiers: ClinVar variation 2065516 (VCV002065516.4), dbSNP rs187724945, ClinGen allele CA5337186.

ClinVar aggregate classification (germline): Uncertain significance. Review status: criteria provided, multiple submitters, no conflicts (2 of 4 stars). 3 submissions from 3 submitters: Uncertain significance (2). 1 of the submissions does not count toward it. Last evaluated 2024-01-16.

Conditions:
Joubert syndrome 1 (JBTS1). Also called: Cerebellooculorenal syndrome 1; CEREBELLOPARENCHYMAL DISORDER IV. Identifiers: MedGen C4551568, MONDO:0008944, OMIM 213300.
MORM syndrome (MORMS). Identifiers: Orphanet 75858, MedGen C1857802, MONDO:0012423, OMIM 610156.
INPP5E-related disorder. Also called: INPP5E-related condition.
Joubert syndrome. Also called: JOUBERT-BOLTSHAUSER SYNDROME; Familial aplasia of the vermis. Identifiers: Orphanet 475, MedGen C5979921, MONDO:0018772.

gnomAD v4.1: 15 of 1,584,168 alleles (0.00095%); highest among the groups gnomAD compares: East Asian, 0.032%; no homozygotes.

Submissions (3):

Fulgent Genetics
Classification: Uncertain significance for Joubert syndrome 1; MORM syndrome. Last evaluated: 2024-01-16. Review status: criteria provided, single submitter. Criteria: ACMG Guidelines, 2015. Collection method: clinical testing. Allele origin: germline.

Labcorp Genetics (formerly Invitae), Labcorp
Classification: Uncertain significance for Joubert syndrome. Last evaluated: 2022-11-08. Review status: criteria provided, single submitter. Criteria: Invitae Variant Classification Sherloc (09022015). Collection method: clinical testing. Allele origin: germline.
Comment: In summary, the available evidence is currently insufficient to determine the role of this variant in disease. Therefore, it has been classified as a Variant of Uncertain Significance. Advanced modeling of protein sequence and biophysical properties (such as structural, functional, and spatial information, amino acid conservation, physicochemical variation, residue mobility, and thermodynamic stability) performed at Invitae indicates that this missense variant is not expected to disrupt INPP5E protein function. This variant has not been reported in the literature in individuals affected with INPP5E-related conditions. This variant is present in population databases (rs187724945, gnomAD 0.03%). This sequence change replaces aspartic acid, which is acidic and polar, with asparagine, which is neutral and polar, at codon 102 of the INPP5E protein (p.Asp102Asn).

PreventionGenetics, part of Exact Sciences
Classification: Uncertain significance for INPP5E-related condition. Last evaluated: 2024-05-14. Review status: no assertion criteria provided. Collection method: clinical testing. Allele origin: germline. Not counted in ClinVar's aggregate classification.
Comment: The INPP5E c.304G>A variant is predicted to result in the amino acid substitution p.Asp102Asn. To our knowledge, this variant has not been reported in the literature. This variant is reported in 0.026% of alleles in individuals of East Asian descent in gnomAD. At this time, the clinical significance of this variant is uncertain due to the absence of conclusive functional and genetic evidence.